The following is an entry in ClinVar:

NM_021738.3(SVIL):c.3776T>C (p.Met1259Thr)

Gene: SVIL (supervillin; minus strand). Cytogenetic location: 10p11.23.
Variant type: single nucleotide variant.
Coding change: c.3776T>C on transcript NM_021738.3 (MANE Select); coding-DNA position 3776, T replaced by C.
Protein change: p.Met1259Thr; replaces methionine 1259 with threonine.
Molecular consequence: missense variant.
Genome position (GRCh38, 1-based): chr10:29,494,979, A>G on the plus strand (T>C on the coding strand, the complement: SVIL is on the minus strand). VCF-style: chr10-29494979-A-G. GRCh37 (hg19) VCF-style: chr10-29783908-A-G.
Other names: c.3776T>C (NM_021738.2); c.2846T>C, p.Met949Thr (NM_001323599.2); c.2594T>C, p.Met865Thr (NM_001323600.1); c.2498T>C, p.Met833Thr (NM_003174.3); short protein forms M1259T, M833T, M865T, M949T.
Identifiers: ClinVar variation 2443274 (VCV002443274.4), dbSNP rs78773460, ClinGen allele CA5456731.

ClinVar aggregate classification (germline): Benign/Likely benign. Review status: no assertion criteria provided (0 of 4 stars). 2 submissions from 2 submitters: Benign (1); Likely benign (1). Last evaluated 2022-06-27.

Conditions:
SVIL-related disorder. Also called: SVIL-related condition.

Allele frequency attached by ClinVar (database versions not stated): 1000 Genomes Project 30x 0.15646.

Submissions (2):

Genetic Services Laboratory, University of Chicago
Classification: Benign. Last evaluated: 2022-06-27. Review status: no assertion criteria provided. Collection method: clinical testing. Allele origin: germline. Affected: no.

PreventionGenetics, part of Exact Sciences
Classification: Likely benign for SVIL-related condition. Last evaluated: 2021-11-24. Review status: no assertion criteria provided. Collection method: clinical testing. Allele origin: germline.
Comment: This variant is classified as likely benign based on ACMG/AMP sequence variant interpretation guidelines (Richards et al. 2015 PMID: 25741868, with internal and published modifications).